The following is an entry in ClinVar:

ClinVar aggregate classification (germline): Uncertain significance (1 of 4 stars; one submission).

Conditions:
Glycogen storage disease type III (GSD3). Also called: FORBES DISEASE; Cori disease. Identifiers: Orphanet 366, MedGen C0017922, MONDO:0009291, OMIM 232400.

Submission:

Laboratorio de Biologia Molecular - Genetica, Hospital de Pediatria Garrahan
Classification: Uncertain significance for Glycogen storage disease type III. Last evaluated: 2026-10-01. Review status: criteria provided, single submitter. Criteria: ACMG Guidelines, 2015. Collection method: clinical testing. Allele origin: germline. Affected: yes. Observed: 2 variant alleles.
Comment: This sequence change is located within the region of the acceptor motif at intron19/exon 20 of the AGL gene. This variant is present in population databases at an extremely low frequency (gnomAD <0.001%) (PM2_supporting). This variant is predicted to be deleterious by computational evidence, with a SpliceAI score of 0.75 (PP3). This variant has been detected in compound heterozygous state with a pathogenic variant in AGL gene in two Argentinean patients (internal data) (PM3). In summary, the available evidence is currently insufficient to determine the role of this variant in disease. Therefore, it has been classified as a Variant of Uncertain Significance.

NM_000642.3(AGL):c.2547-14A>G

Gene: AGL (amylo-alpha-1,6-glucosidase and 4-alpha-glucanotransferase; plus strand). Cytogenetic location: 1p21.2.
Variant type: single nucleotide variant.
Coding change: c.2547-14A>G on transcript NM_000642.3 (MANE Select); 14 bases into the intron before coding-DNA position 2547, A replaced by G.
Molecular consequence: intron variant.
Genome position (GRCh38, 1-based): chr1:99,884,555, A>G. VCF-style: chr1-99884555-A-G. GRCh37 (hg19) VCF-style: chr1-100350111-A-G.
Other names: c.2547-14A>G (NM_000643.3, NM_000644.3, NM_001425326.1 and 2 more transcripts); c.2499-14A>G (NM_000646.3); c.2346-14A>G (NM_001425327.1); c.2343-14A>G (NM_001425328.1); c.2342+104A>G (NM_001425329.1); c.2169-14A>G (NM_001425332.1).
Identifiers: ClinVar variation 5042719 (VCV005042719.1).
Genomic context (GRCh38, chr1:99,884,555, plus strand): 5'-AATAGTTTGCATATCCTGTTAAATTTGAATAAATTACTCCTAAAAATTAACCACTTTTTA[A>G]TTAACATTTTCAGAGTTAGTCTTGATCCACATGCACAAGTCGCTGTTGGAATTCTTCGAA-3'